The following is an entry in ClinVar:

NM_001355436.2(SPTB):c.4387dup (p.Leu1463fs)

Gene: SPTB (spectrin beta, erythrocytic; minus strand). Cytogenetic location: 14q23.3.
Variant type: Duplication.
Coding change: c.4387dup on transcript NM_001355436.2 (MANE Select); coding-DNA position 4387, one base duplicated (C; older notation c.4387dupC).
Protein change: p.Leu1463fs; shifts the reading frame from leucine 1463.
Molecular consequence: frameshift variant.
Genome position (GRCh38, 1-based): chr14:64,779,811, G duplicated on the plus strand (C on the coding strand, the reverse complement: SPTB is on the minus strand); the first of 2 consecutive G bases (chr14:64,779,811-64,779,812); duplicating either gives the same sequence. VCF-style (leftmost placement, unchanged base first): chr14-64779810-A-AG. GRCh37 (hg19) VCF-style: chr14-65246528-A-AG.
Other names: c.4387dup, p.Leu1463fs (NM_001024858.4, NM_001355437.2); short protein forms L1463fs.
Identifiers: ClinVar variation 3720147 (VCV003720147.2).

ClinVar aggregate classification (germline): Pathogenic (1 of 4 stars; one submission).

Submission:

Labcorp Genetics (formerly Invitae), Labcorp
Classification: Pathogenic. Last evaluated: 2024-09-19. Review status: criteria provided, single submitter. Criteria: Invitae Variant Classification Sherloc (09022015). Collection method: clinical testing. Allele origin: germline.
Comment: This sequence change creates a premature translational stop signal (p.Leu1463Profs*28) in the SPTB gene. It is expected to result in an absent or disrupted protein product. Loss-of-function variants in SPTB are known to be pathogenic (PMID: 1391962, 1498324, 8844207, 26830532, 27292444). This variant is not present in population databases (gnomAD no frequency). This variant has not been reported in the literature in individuals affected with SPTB-related conditions. For these reasons, this variant has been classified as Pathogenic.

Literature cited by the submitters: PubMed 1391962; PubMed 1498324; PubMed 8844207; PubMed 26830532; PubMed 27292444.